The following is an entry in ClinVar:

ClinVar aggregate classification (germline): Uncertain significance (1 of 4 stars; one submission).

Submission:

GeneDx
Classification: Uncertain significance. Last evaluated: 2025-04-09. Review status: criteria provided, single submitter. Criteria: GeneDx Variant Classification Process June 2021. Collection method: clinical testing. Allele origin: germline. Affected: yes.
Comment: Not observed at significant frequency in large population cohorts (gnomAD); In silico analysis supports that this missense variant has a deleterious effect on protein structure/function; Has not been previously published as pathogenic or benign to our knowledge

NM_002430.3(MN1):c.308G>C (p.Gly103Ala)

Gene: MN1 (MN1 proto-oncogene, transcriptional regulator; minus strand). Cytogenetic location: 22q12.1.
Variant type: single nucleotide variant.
Coding change: c.308G>C on transcript NM_002430.3 (MANE Select); coding-DNA position 308, G replaced by C.
Protein change: p.Gly103Ala; replaces glycine 103 with alanine.
Molecular consequence: missense variant.
Genome position (GRCh38, 1-based): chr22:27,800,236, C>G on the plus strand (G>C on the coding strand, the complement: MN1 is on the minus strand). VCF-style: chr22-27800236-C-G. GRCh37 (hg19) VCF-style: chr22-28196224-C-G.
Other names: short protein forms G103A.
Identifiers: ClinVar variation 2507241 (VCV002507241.2), dbSNP rs773965619, ClinGen allele CA411051576.